The following is an entry in ClinVar:

ClinVar aggregate classification (germline): Uncertain significance. Review status: criteria provided, multiple submitters, no conflicts (2 of 4 stars). 4 submissions from 4 submitters: Uncertain significance (4). Last evaluated 2023-09-21.

Conditions:
Cystic fibrosis (CF). Also called: MUCOVISCIDOSIS. Identifiers: Orphanet 586, MedGen C0010674, MONDO:0009061, OMIM 219700. Disease mechanism: loss of function.

Allele frequency attached by ClinVar (database versions not stated): TOPMed below 0.00001; gnomAD exomes 0.00001.
gnomAD v4.1: 6 of 1,613,974 alleles (0.00037%); highest among the groups gnomAD compares: African/African-American, 0.0027%; no homozygotes.

Submissions (4):

Women's Health and Genetics/Laboratory Corporation of America, LabCorp
Classification: Uncertain significance. Last evaluated: 2023-09-21. Review status: criteria provided, single submitter. Criteria: LabCorp Variant Classification Summary - May 2015. Collection method: clinical testing. Allele origin: germline.
Comment: Variant summary: CFTR c.2681A>G (p.Asn894Ser) results in a conservative amino acid change located in the ABC transporter type 1, transmembrane domain (IPR011527) of the encoded protein sequence. Three of five in-silico tools predict a benign effect of the variant on protein function. The variant allele was found at a frequency of 4e-06 in 251268 control chromosomes (i.e., 1 heterozygote; gnomAD v2.1 Exomes dataset). The available data on variant occurrences in the general population are insufficient to allow any conclusion about variant significance. c.2681A>G has been reported in the literature in at least one individual affected with Congenital bilateral absence of vas deferens (e.g., Ocak_2014), however without strong evidence for causality (e.g., lack of co-segregation and co-occurrence data). This report therefore does not provide unequivocal conclusions about association of the variant with Cystic Fibrosis. To our knowledge, no experimental evidence demonstrating an impact on protein function has been reported. The following publication was ascertained in the context of this evaluation (PMID: 25536748). Two submitters have reported clinical-significance assessments for this variant to ClinVar after 2014. Both submitters classified the variant as uncertain significance. Based on the evidence outlined above, the variant was classified as uncertain significance.

Clinical Genetics Laboratory, Skane University Hospital Lund
Classification: Uncertain significance. Last evaluated: 2023-03-23. Review status: criteria provided, single submitter. Criteria: ACMG Guidelines, 2015. Collection method: clinical testing. Allele origin: germline. Affected: yes.

Ambry Genetics
Classification: Uncertain significance for Cystic fibrosis. Last evaluated: 2021-08-05. Review status: criteria provided, single submitter. Criteria: Ambry Variant Classification Scheme 2023. Collection method: clinical testing. Allele origin: germline.
Comment: The p.N894S variant (also known as c.2681A>G), located in coding exon 17 of the CFTR gene, results from an A to G substitution at nucleotide position 2681. The asparagine at codon 894 is replaced by serine, an amino acid with highly similar properties. This alteration was identified in one individual with congenital bilateral absence of the vans deferens (CBAVD) (Ocak Z et al. Turk J Med Sci, 2014;44:347-51). This amino acid position is well conserved in available vertebrate species. In addition, the in silico prediction for this alteration is inconclusive. Since supporting evidence is limited at this time, the clinical significance of this alteration remains unclear.

Labcorp Genetics (formerly Invitae), Labcorp
Classification: Uncertain significance for Cystic fibrosis. Last evaluated: 2021-08-02. Review status: criteria provided, single submitter. Criteria: Invitae Variant Classification Sherloc (09022015). Collection method: clinical testing. Allele origin: germline.
Comment: This sequence change replaces asparagine with serine at codon 894 of the CFTR protein (p.Asn894Ser). The asparagine residue is moderately conserved and there is a small physicochemical difference between asparagine and serine. This variant is not present in population databases (ExAC no frequency). This missense change has been observed in individual(s) with clinical features of CFTR-related conditions (PMID: 25536748). Algorithms developed to predict the effect of missense changes on protein structure and function (SIFT, PolyPhen-2, Align-GVGD) all suggest that this variant is likely to be tolerated. In summary, the available evidence is currently insufficient to determine the role of this variant in disease. Therefore, it has been classified as a Variant of Uncertain Significance.

Literature cited by the submitters: PubMed 25536748 (cited by 3 submitters).

NM_000492.4(CFTR):c.2681A>G (p.Asn894Ser)

Gene: CFTR (CF transmembrane conductance regulator; plus strand). Cytogenetic location: 7q31.2.
Variant type: single nucleotide variant.
Coding change: c.2681A>G on transcript NM_000492.4 (MANE Select); coding-DNA position 2681, A replaced by G.
Protein change: p.Asn894Ser; replaces asparagine 894 with serine.
Molecular consequence: missense variant.
Genome position (GRCh38, 1-based): chr7:117,603,555, A>G. VCF-style: chr7-117603555-A-G. GRCh37 (hg19) VCF-style: chr7-117243609-A-G.
Other names: short protein forms N894S.
Identifiers: ClinVar variation 1794686 (VCV001794686.5), dbSNP rs1278852401, ClinGen allele CA368986417.
Genomic context (GRCh38, chr7:117,603,555, plus strand): 5'-TTGGCTGCCAAATAACGATTTCCTATTTGCTTTACAGCACTCCTCTTCAAGACAAAGGGA[A>G]TAGTACTCATAGTAGAAATAACAGCTATGCAGTGATTATCACCAGCACCAGTTCGTATTA-3'
Protein context (NP_000483.3, residues 884-904): LGNTPLQDKG[Asn894Ser]STHSRNNSYA